The following is an entry in ClinVar:

ClinVar aggregate classification (germline): Conflicting classifications of pathogenicity. Review status: criteria provided, conflicting classifications (1 of 4 stars). 4 submissions from 4 submitters: Pathogenic (1); Likely pathogenic (2); Uncertain significance (1). Last evaluated 2026-02-23.

Conditions:
Left ventricular noncompaction 8 (LVNC8). Identifiers: Orphanet 154, Orphanet 54260, MedGen C3809288, MONDO:0014152, OMIM 615373.
PRDM16-related dilated cardiomyopathy.
Inborn genetic diseases. Identifiers: MedGen C0950123, MeSH D030342.

Submissions (4):

Dasa
Classification: Likely pathogenic for PRDM16-related dilated cardiomyopathy. Last evaluated: 2026-02-23. Review status: criteria provided, single submitter. Criteria: DASA Assertion Criteria. Collection method: clinical testing. Allele origin: germline.
Comment: NM_022114.4(PRDM16):c.259C>T (p.Arg87*) is a nonsense variant in PRDM16 predicted to introduce a premature termination codon and is predicted to result in an absent or altered protein product. Loss of function is an established disease mechanism for PRDM16-associated disorders. Also, this variant is rare in population databases. Based on the currently available evidence, this variant is classified as likely pathogenic.

Ambry Genetics
Classification: Pathogenic for Inborn genetic diseases. Last evaluated: 2024-09-03. Review status: criteria provided, single submitter. Criteria: Ambry Variant Classification Scheme 2023. Collection method: clinical testing. Allele origin: germline.
Comment: The c.259C>T (p.R87*) alteration, located in exon 2 (coding exon 2) of the PRDM16 gene, consists of a C to T substitution at nucleotide position 259. This changes the amino acid from an arginine (R) to a stop codon at amino acid position 87. This alteration is expected to result in loss of function by premature protein truncation or nonsense-mediated mRNA decay. This variant was not reported in population-based cohorts in the Genome Aggregation Database (gnomAD). Based on the available evidence, this alteration is classified as pathogenic.

Labcorp Genetics (formerly Invitae), Labcorp
Classification: Uncertain significance for Left ventricular noncompaction 8. Last evaluated: 2023-07-12. Review status: criteria provided, single submitter. Criteria: Invitae Variant Classification Sherloc (09022015). Collection method: clinical testing. Allele origin: germline.
Comment: In summary, the available evidence is currently insufficient to determine the role of this variant in disease. Therefore, it has been classified as a Variant of Uncertain Significance. ClinVar contains an entry for this variant (Variation ID: 2499448). This variant has not been reported in the literature in individuals affected with PRDM16-related conditions. This variant is not present in population databases (gnomAD no frequency). This sequence change creates a premature translational stop signal (p.Arg87*) in the PRDM16 gene. It is expected to result in an absent or disrupted protein product. However, the current clinical and genetic evidence is not sufficient to establish whether loss-of-function variants in PRDM16 cause disease.

GeneDx
Classification: Likely pathogenic. Last evaluated: 2023-04-06. Review status: criteria provided, single submitter. Criteria: GeneDx Variant Classification Process June 2021. Collection method: clinical testing. Allele origin: germline. Affected: yes.
Comment: Has not been previously published as pathogenic or benign to our knowledge; Not observed at significant frequency in large population cohorts (gnomAD); Nonsense variant predicted to result in protein truncation or nonsense mediated decay in a gene for which loss-of-function is a known mechanism of disease

NM_022114.4(PRDM16):c.259C>T (p.Arg87Ter)

Gene: PRDM16 (PR/SET domain 16; plus strand). Cytogenetic location: 1p36.32.
Variant type: single nucleotide variant.
Coding change: c.259C>T on transcript NM_022114.4 (MANE Select); coding-DNA position 259, C replaced by T.
Protein change: p.Arg87Ter; replaces arginine 87 with a stop codon.
Molecular consequence: nonsense.
Genome position (GRCh38, 1-based): chr1:3,186,346, C>T. VCF-style: chr1-3186346-C-T. GRCh37 (hg19) VCF-style: chr1-3102910-C-T.
Other names: c.259C>T, p.Arg87Ter (NM_199454.3); short protein forms R87*.
Identifiers: ClinVar variation 2499448 (VCV002499448.7), dbSNP rs1366555985, ClinGen allele CA338215725.